The following is an entry in ClinVar:

NC_000022.11:g.40345509A>G

Gene: ADSL (adenylosuccinate lyase; plus strand). Cytogenetic location: 22q13.1.
Variant type: single nucleotide variant.
Genome position: GRCh38 VCF-style: chr22-40345509-A-G. GRCh37 (hg19) VCF-style: chr22-40741513-A-G.
Identifiers: ClinVar variation 3607939 (VCV003607939.2).

ClinVar aggregate classification (germline): Uncertain significance (1 of 4 stars; one submission).

Conditions:
Adenylosuccinate lyase deficiency (ADSLD). Also called: ADSL DEFICIENCY. Identifiers: Orphanet 46, MedGen C0268126, MONDO:0007068, OMIM 103050.

Submission:

Labcorp Genetics (formerly Invitae), Labcorp
Classification: Uncertain significance for Adenylosuccinate lyase deficiency. Last evaluated: 2025-06-04. Review status: criteria provided, single submitter. Criteria: Invitae Variant Classification Sherloc (09022015). Collection method: clinical testing. Allele origin: germline.
Comment: This variant occurs in a non-coding region of the ADSL gene. It does not change the encoded amino acid sequence of the ADSL protein. The frequency data for this variant in the population databases is considered unreliable, as metrics indicate insufficient coverage at this position in the gnomAD database. This variant has not been reported in the literature in individuals affected with ADSL-related conditions. Experimental studies and prediction algorithms are not available or were not evaluated, and the functional significance of this variant is currently unknown. In summary, the available evidence is currently insufficient to determine the role of this variant in disease. Therefore, it has been classified as a Variant of Uncertain Significance.